The following is an entry in ClinVar:

ClinVar aggregate classification (germline): Pathogenic. Review status: criteria provided, single submitter (1 of 4 stars). 3 submissions from 3 submitters: Pathogenic (1). 2 of the submissions do not count toward it. Last evaluated 2026-03-11.

Conditions:
Char syndrome (CHAR). Also called: PATENT DUCTUS ARTERIOSUS WITH FACIAL DYSMORPHISM AND ABNORMAL FIFTH DIGITS. Identifiers: Orphanet 46627, MedGen C1868570, MONDO:0008209, OMIM 169100.

Submissions (3):

GeneDx
Classification: Pathogenic. Last evaluated: 2026-03-11. Review status: criteria provided, single submitter. Criteria: GeneDx Variant Classification Process June 2021. Collection method: clinical testing. Allele origin: germline.
Comment: Published functional studies demonstrate a damaging effect (PMID: 10802654, 27984181); In silico analysis supports that this missense variant has a deleterious effect on protein structure/function; Not observed at significant frequency in large population cohorts (gnomAD); This variant is associated with the following publications: (PMID: 26277217, 27984181, 35874825, 37409559, 10802654, 8326495)

OMIM
Classification: Pathogenic for CHAR SYNDROME. Last evaluated: 2000-05-01. Review status: no assertion criteria provided. Collection method: literature only. Allele origin: germline. Not counted in ClinVar's aggregate classification.

GeneReviews
No classification provided. Condition: Char syndrome. Review status: no classification provided. Collection method: literature only. Allele origin: unknown. Not counted in ClinVar's aggregate classification.

Literature cited by the submitters: PubMed 10802654 (cited by OMIM and GeneReviews); PubMed 8326495 (cited by OMIM); PubMed 20301285 (cited by GeneReviews); NCBI Bookshelf NBK1106 (cited by GeneReviews).

NM_003221.4(TFAP2B):c.898C>T (p.Arg300Cys)

Gene: TFAP2B (transcription factor AP-2 beta; plus strand). Cytogenetic location: 6p12.3.
Variant type: single nucleotide variant.
Coding change: c.898C>T on transcript NM_003221.4 (MANE Select); coding-DNA position 898, C replaced by T.
Protein change: p.Arg300Cys; replaces arginine 300 with cysteine.
Molecular consequence: missense variant.
Genome position (GRCh38, 1-based): chr6:50,838,051, C>T. VCF-style: chr6-50838051-C-T. GRCh37 (hg19) VCF-style: chr6-50805764-C-T.
Other names: R289C; c.865C>T (X95694.1); short protein forms R300C.
Identifiers: ClinVar variation 8040 (VCV000008040.5), dbSNP rs80338917, ClinGen allele CA340717.